The following is an entry in ClinVar:

ClinVar aggregate classification (germline): Uncertain significance (1 of 4 stars; one submission).

Conditions:
Alstrom syndrome (ALMS). Identifiers: Orphanet 64, MedGen C0268425, MONDO:0008763, OMIM 203800.

Allele frequency attached by ClinVar (database versions not stated): gnomAD exomes below 0.00001; TOPMed below 0.00001; ExAC 0.00001; gnomAD 0.00001.

Submission:

Labcorp Genetics (formerly Invitae), Labcorp
Classification: Uncertain significance for Alstrom syndrome. Last evaluated: 2021-08-02. Review status: criteria provided, single submitter. Criteria: Invitae Variant Classification Sherloc (09022015). Collection method: clinical testing. Allele origin: germline.
Comment: This sequence change replaces histidine with arginine at codon 1258 of the ALMS1 protein (p.His1258Arg). The histidine residue is weakly conserved and there is a small physicochemical difference between histidine and arginine. This variant is present in population databases (rs770555189, ExAC 0.006%). This variant has not been reported in the literature in individuals affected with ALMS1-related conditions. Experimental studies and prediction algorithms are not available or were not evaluated, and the functional significance of this variant is currently unknown. In summary, the available evidence is currently insufficient to determine the role of this variant in disease. Therefore, it has been classified as a Variant of Uncertain Significance.

NM_001378454.1(ALMS1):c.3770A>G (p.His1257Arg)

Gene: ALMS1 (ALMS1 centrosome and basal body associated protein; plus strand). Cytogenetic location: 2p13.1.
Variant type: single nucleotide variant.
Coding change: c.3770A>G on transcript NM_001378454.1 (MANE Select); coding-DNA position 3770, A replaced by G.
Protein change: p.His1257Arg; replaces histidine 1257 with arginine.
Molecular consequence: missense variant.
Genome position (GRCh38, 1-based): chr2:73,450,297, A>G. VCF-style: chr2-73450297-A-G. GRCh37 (hg19) VCF-style: chr2-73677424-A-G.
Other names: c.3773A>G, p.His1258Arg (NM_015120.4); short protein forms H1257R, H1258R.
Identifiers: ClinVar variation 1509463 (VCV001509463.4), dbSNP rs770555189, ClinGen allele CA1713590.
Genomic context (GRCh38, chr2:73,450,297, plus strand): 5'-CTTCTTACTCACACACAGAGAAGCCTGGTATTTTCTACCAACAGGTCTTGCCAGATAATC[A>G]TCCAACTGAAGAGGCTCTGAAAATTTCAGTTGCCTCTGAACCAGTTGACCAGACAACTGG-3'
Protein context (NP_001365383.1, residues 1247-1267): IFYQQVLPDN[His1257Arg]PTEEALKISV